The following is an entry in ClinVar:

ClinVar aggregate classification (germline): Conflicting classifications of pathogenicity. Review status: criteria provided, conflicting classifications (1 of 4 stars). 6 submissions from 6 submitters: Uncertain significance (1); Likely benign (4). 1 of the submissions does not count toward it. Last evaluated 2026-01-16.

Conditions:
PIEZO1-related disorder. Also called: PIEZO1-Related Disorders; PIEZO1-related condition.

Allele frequency attached by ClinVar (database versions not stated): TOPMed 0.00014; 1000 Genomes Project 0.00040; 1000 Genomes Project 30x 0.00047; ExAC 0.00185.
gnomAD v4.1: 492 of 1,549,162 alleles (0.032%); highest among the groups gnomAD compares: Middle Eastern, 0.52%; 5 homozygotes.

Submissions (6):

Labcorp Genetics (formerly Invitae), Labcorp
Classification: Likely benign. Last evaluated: 2026-01-16. Review status: criteria provided, single submitter. Criteria: Invitae Variant Classification Sherloc (09022015). Collection method: clinical testing. Allele origin: germline.

Mayo Clinic Laboratories, Mayo Clinic
Classification: Uncertain significance. Last evaluated: 2025-08-27. Review status: criteria provided, single submitter. Criteria: ACMG Guidelines, 2015. Collection method: clinical testing. Allele origin: germline. Observed: 4 variant alleles.

Blueprint Genetics
Classification: Likely benign. Last evaluated: 2024-11-26. Review status: criteria provided, single submitter. Criteria: ACMG Guidelines, 2015. Collection method: clinical testing. Allele origin: germline.

CeGaT Center for Human Genetics Tuebingen
Classification: Likely benign. Last evaluated: 2024-02-01. Review status: criteria provided, single submitter. Criteria: CeGaT Center For Human Genetics Tuebingen Variant Classification Criteria Version 2. Collection method: clinical testing. Allele origin: germline. Affected: yes. Observed: 1 variant allele.
Comment: PIEZO1: BS2

Breakthrough Genomics
Classification: Likely benign. Review status: criteria provided, single submitter. Criteria: ACMG Guidelines, 2015. Collection method: not provided. Allele origin: germline. Inheritance: Autosomal recessive inheritance. Affected: yes.

PreventionGenetics, part of Exact Sciences
Classification: Likely benign for PIEZO1-related condition. Last evaluated: 2021-02-23. Review status: no assertion criteria provided. Collection method: clinical testing. Allele origin: germline. Not counted in ClinVar's aggregate classification.
Comment: This variant is classified as likely benign based on ACMG/AMP sequence variant interpretation guidelines (Richards et al. 2015 PMID: 25741868, with internal and published modifications).

NM_001142864.4(PIEZO1):c.5413C>T (p.Leu1805Phe)

Gene: PIEZO1 (piezo type mechanosensitive ion channel component 1 (Er blood group); minus strand). Cytogenetic location: 16q24.3.
Variant type: single nucleotide variant.
Coding change: c.5413C>T on transcript NM_001142864.4 (MANE Select); coding-DNA position 5413, C replaced by T.
Protein change: p.Leu1805Phe; replaces leucine 1805 with phenylalanine.
Molecular consequence: missense variant.
Genome position (GRCh38, 1-based): chr16:88,721,421, G>A on the plus strand (C>T on the coding strand, the complement: PIEZO1 is on the minus strand). VCF-style: chr16-88721421-G-A. GRCh37 (hg19) VCF-style: chr16-88787829-G-A.
Other names: p.Leu1805Phe; short protein forms L1805F.
Identifiers: ClinVar variation 721768 (VCV000721768.32), dbSNP rs201769196, ClinGen allele CA8231877.
Genomic context (GRCh38, chr16:88,721,421, plus strand): 5'-GCTCCTCCTCGCCGCTCTTGTCATGCTCCTTGGATGGTGAGTCCTCCTCATGGTCCCAGA[G>A]GCCATAGCACTGAGGGGCGGGAGGGTGTGGTGAGGGGGCCTTGCCTCCCTGGTGGAGAGC-3'
Protein context (NP_001136336.2, residues 1795-1815): FHRSQLLCYG[Leu1805Phe]WDHEEDSPSK